The following is an entry in ClinVar:

NM_001164508.2(NEB):c.12310G>A (p.Ala4104Thr)

Gene: NEB (nebulin; minus strand). Cytogenetic location: 2q23.3.
Variant type: single nucleotide variant.
Coding change: c.12310G>A on transcript NM_001164508.2 (MANE Select); coding-DNA position 12310, G replaced by A.
Protein change: p.Ala4104Thr; replaces alanine 4104 with threonine.
Molecular consequence: missense variant.
Genome position (GRCh38, 1-based): chr2:151,609,829, C>T on the plus strand (G>A on the coding strand, the complement: NEB is on the minus strand). VCF-style: chr2-151609829-C-T. GRCh37 (hg19) VCF-style: chr2-152466343-C-T.
Other names: c.12310G>A, p.Ala4104Thr (NM_001164507.2, NM_001271208.2); c.11581G>A, p.Ala3861Thr (NM_004543.5); short protein forms A3861T, A4104T.
Identifiers: ClinVar variation 1903262 (VCV001903262.5), dbSNP rs1179515949, ClinGen allele CA348776575.
Genomic context (GRCh38, chr2:151,609,829, plus strand): 5'-ATCTTCCCCTTCCCCCTTTCCCAAAATTCATGTTACGTACATCACTCTGCAGGTCATAGG[C>T]CTTTTTTGCTTGGATAATGTCGTTTTGATCCGGCATGCATGTCCATTCATGCAGGTAATT-3'
Protein context (NP_001157980.2, residues 4094-4114): DQNDIIQAKK[Ala4104Thr]YDLQSDSVYK

ClinVar aggregate classification (germline): Uncertain significance (1 of 4 stars; one submission).

Conditions:
Nemaline myopathy 2 (NEM2). Also called: Nemaline myopathy 2, autosomal recessive. Identifiers: MedGen C1850569, MONDO:0009725, OMIM 256030.

Submission:

Labcorp Genetics (formerly Invitae), Labcorp
Classification: Uncertain significance for Nemaline myopathy 2. Last evaluated: 2022-08-19. Review status: criteria provided, single submitter. Criteria: Invitae Variant Classification Sherloc (09022015). Collection method: clinical testing. Allele origin: germline.
Comment: This variant is not present in population databases (gnomAD no frequency). In summary, the available evidence is currently insufficient to determine the role of this variant in disease. Therefore, it has been classified as a Variant of Uncertain Significance. Algorithms developed to predict the effect of missense changes on protein structure and function are either unavailable or do not agree on the potential impact of this missense change (SIFT: "Deleterious"; PolyPhen-2: "Not Available"; Align-GVGD: "Class C0"). This variant has not been reported in the literature in individuals affected with NEB-related conditions. This sequence change replaces alanine, which is neutral and non-polar, with threonine, which is neutral and polar, at codon 4104 of the NEB protein (p.Ala4104Thr).